The following is an entry in ClinVar:

ClinVar aggregate classification (germline): Uncertain significance. Review status: criteria provided, multiple submitters, no conflicts (2 of 4 stars). 3 submissions from 3 submitters: Uncertain significance (3). Last evaluated 2022-06-14.

Conditions:
Cockayne syndrome type 1. Also called: Cockayne syndrome type I; Cockayne syndrome classical; Cockayne syndrome classic form. Identifiers: Orphanet 191, Orphanet 90321, MedGen C0751039, MONDO:0019569, OMIM 216400.

Allele frequency attached by ClinVar (database versions not stated): gnomAD 0.00003.
gnomAD v4.1: 193 of 1,513,534 alleles (0.013%); highest among the groups gnomAD compares: Non-Finnish European, 0.016%; no homozygotes.

Submissions (3):

Labcorp Genetics (formerly Invitae), Labcorp
Classification: Uncertain significance. Last evaluated: 2022-06-14. Review status: criteria provided, single submitter. Criteria: Invitae Variant Classification Sherloc (09022015). Collection method: clinical testing. Allele origin: germline.
Comment: This sequence change replaces valine, which is neutral and non-polar, with isoleucine, which is neutral and non-polar, at codon 137 of the ERCC8 protein (p.Val137Ile). This variant is present in population databases (rs150952570, gnomAD 0.007%). This variant has not been reported in the literature in individuals affected with ERCC8-related conditions. ClinVar contains an entry for this variant (Variation ID: 354019). Algorithms developed to predict the effect of missense changes on protein structure and function output the following: SIFT: "Tolerated"; PolyPhen-2: "Benign"; Align-GVGD: "Class C0". The isoleucine amino acid residue is found in multiple mammalian species, which suggests that this missense change does not adversely affect protein function. In summary, the available evidence is currently insufficient to determine the role of this variant in disease. Therefore, it has been classified as a Variant of Uncertain Significance.

Mayo Clinic Laboratories, Mayo Clinic
Classification: Uncertain significance. Last evaluated: 2022-03-22. Review status: criteria provided, single submitter. Criteria: ACMG Guidelines, 2015. Collection method: clinical testing. Allele origin: germline. Observed: 1 variant allele.
Comment: BP4, PM2

Illumina Laboratory Services, Illumina
Classification: Uncertain significance for Cockayne syndrome type 1. Last evaluated: 2018-01-13. Review status: criteria provided, single submitter. Criteria: ICSL Variant Classification Criteria 13 December 2019. Collection method: clinical testing. Allele origin: germline.

NM_000082.4(ERCC8):c.409G>A (p.Val137Ile)

Gene: ERCC8 (ERCC excision repair 8, CSA ubiquitin ligase complex subunit; minus strand). Cytogenetic location: 5q12.1.
Variant type: single nucleotide variant.
Coding change: c.409G>A on transcript NM_000082.4 (MANE Select); coding-DNA position 409, G replaced by A.
Protein change: p.Val137Ile; replaces valine 137 with isoleucine.
Molecular consequence: missense variant. On other transcripts: intron variant (1).
Genome position (GRCh38, 1-based): chr5:60,904,864, C>T on the plus strand (G>A on the coding strand, the complement: ERCC8 is on the minus strand). VCF-style: chr5-60904864-C-T. GRCh37 (hg19) VCF-style: chr5-60200691-C-T.
Other names: p.Val137Ile; c.23-1148G>A (NM_001290285.2); c.235G>A, p.Val79Ile (NM_001007233.3); c.409G>A, p.Val137Ile (NM_001007234.3); short protein forms V137I, V79I.
Identifiers: ClinVar variation 354019 (VCV000354019.7), dbSNP rs150952570, ClinGen allele CA3277853.